The following is an entry in ClinVar:

ClinVar aggregate classification (germline): Uncertain significance (1 of 4 stars; one submission).

Submission:

Labcorp Genetics (formerly Invitae), Labcorp
Classification: Uncertain significance. Last evaluated: 2021-06-07. Review status: criteria provided, single submitter. Criteria: Invitae Variant Classification Sherloc (09022015). Collection method: clinical testing. Allele origin: germline.
Comment: This sequence change replaces phenylalanine with valine at codon 344 of the FH protein (p.Phe344Val). The phenylalanine residue is highly conserved and there is a small physicochemical difference between phenylalanine and valine. In summary, the available evidence is currently insufficient to determine the role of this variant in disease. Therefore, it has been classified as a Variant of Uncertain Significance. Advanced modeling of protein sequence and biophysical properties (such as structural, functional, and spatial information, amino acid conservation, physicochemical variation, residue mobility, and thermodynamic stability) performed at Invitae indicates that this missense variant is expected to disrupt FH protein function. This variant has not been reported in the literature in individuals with FH-related conditions. This variant is not present in population databases (ExAC no frequency).

NM_000143.4(FH):c.1030T>G (p.Phe344Val)

Gene: FH (fumarate hydratase; minus strand). Cytogenetic location: 1q43.
Variant type: single nucleotide variant.
Coding change: c.1030T>G on transcript NM_000143.4 (MANE Select); coding-DNA position 1030, T replaced by G.
Protein change: p.Phe344Val; replaces phenylalanine 344 with valine.
Molecular consequence: missense variant.
Genome position (GRCh38, 1-based): chr1:241,504,120, A>C on the plus strand (T>G on the coding strand, the complement: FH is on the minus strand). VCF-style: chr1-241504120-A-C. GRCh37 (hg19) VCF-style: chr1-241667420-A-C.
Other names: short protein forms F344V.
Identifiers: ClinVar variation 1470792 (VCV001470792.8), dbSNP rs2147916143, ClinGen allele CA345438190.